The following is an entry in ClinVar:

NM_004999.4(MYO6):c.3326T>C (p.Leu1109Pro)

Gene: MYO6 (myosin VI; plus strand). Cytogenetic location: 6q14.1.
Variant type: single nucleotide variant.
Coding change: c.3326T>C on transcript NM_004999.4 (MANE Select); coding-DNA position 3326, T replaced by C.
Protein change: p.Leu1109Pro; replaces leucine 1109 with proline.
Molecular consequence: missense variant. On other transcripts: non-coding transcript variant (1).
Genome position (GRCh38, 1-based): chr6:75,908,541, T>C. VCF-style: chr6-75908541-T-C. GRCh37 (hg19) VCF-style: chr6-76618258-T-C.
Other names: c.3257T>C, p.Leu1086Pro (NM_001300899.2, NM_001368136.1); c.3314T>C, p.Leu1105Pro (NM_001368137.1); c.3242T>C, p.Leu1081Pro (NM_001368138.1); c.3353T>C, p.Leu1118Pro (NM_001368865.1, NM_001368866.1); short protein forms L1109P, L1118P, L1086P, L1105P, L1081P.
Identifiers: ClinVar variation 505414 (VCV000505414.5), dbSNP rs1554222430, ClinGen allele CA364779763.

ClinVar aggregate classification (germline): Uncertain significance. Review status: criteria provided, multiple submitters, no conflicts (2 of 4 stars). 2 submissions from 2 submitters: Uncertain significance (2). Last evaluated 2023-06-28.

Allele frequency attached by ClinVar (database versions not stated): gnomAD exomes below 0.00001.
gnomAD v4.1: 1 of 1,613,564 alleles (0.000062%); highest among the groups gnomAD compares: Non-Finnish European, 0.000085%; no homozygotes.

Submissions (2):

Blueprint Genetics
Classification: Uncertain significance. Last evaluated: 2023-06-28. Review status: criteria provided, single submitter. Criteria: ACMG Guidelines, 2015. Collection method: clinical testing. Allele origin: germline.

Laboratory for Molecular Medicine, Mass General Brigham Personalized Medicine
Classification: Uncertain significance. Last evaluated: 2016-11-30. Review status: criteria provided, single submitter. Criteria: LMM Criteria. Collection method: clinical testing. Allele origin: germline. Observed: 1 variant allele.
Comment: The p.Leu1109Pro variant in MYO6 has not been previously reported in individuals with hearing loss or in large population studies. Computational prediction tool s and conservation analysis suggest that the p.Leu1109Pro variant may impact the protein, though this information is not predictive enough to determine pathogen icity. In summary, the clinical significance of the p.Leu1109Pro variant is unce rtain.